The following is an entry in ClinVar:

NM_000059.4(BRCA2):c.8754+526C>T

Gene: BRCA2 (BRCA2 DNA repair associated; plus strand). Cytogenetic location: 13q13.1.
Variant type: single nucleotide variant.
Coding change: c.8754+526C>T on transcript NM_000059.4 (MANE Select); 526 bases into the intron after coding-DNA position 8754, C replaced by T.
Molecular consequence: intron variant.
Genome position (GRCh38, 1-based): chr13:32,377,317, C>T. VCF-style: chr13-32377317-C-T. GRCh37 (hg19) VCF-style: chr13-32951454-C-T.
Other names: IVS 21+526C>T.
Identifiers: ClinVar variation 209839 (VCV000209839.3), dbSNP rs9567623, ClinGen allele CA276807.

ClinVar aggregate classification (germline): Benign. Review status: reviewed by expert panel (3 of 4 stars). 2 submissions from 2 submitters: Benign (1). 1 of the submissions does not count toward it. Last evaluated 2015-01-12.

Conditions:
Breast-ovarian cancer, familial, susceptibility to, 2 (BROVCA2). Also called: BRCA2 Hereditary Breast and Ovarian Cancer. Identifiers: Orphanet 145, MedGen C2675520, MONDO:0012933, OMIM 612555. Disease mechanism: loss of function.

Allele frequency attached by ClinVar (database versions not stated): TOPMed 0.18080; gnomAD 0.18494 and 0.18936; 1000 Genomes Project 30x 0.19035; 1000 Genomes Project 0.19728.
gnomAD v4.1: 28,766 of 152,054 alleles (19%); highest among the groups gnomAD compares: East Asian, 40%; 3,023 homozygotes.

Submissions (2):

Evidence-based Network for the Interpretation of Germline Mutant Alleles (ENIGMA)
Classification: Benign for Breast-ovarian cancer, familial 2. Last evaluated: 2015-01-12. Review status: reviewed by expert panel. Criteria: ENIGMA BRCA1/2 Classification Criteria (2015). Collection method: curation. Allele origin: germline.
Comment: Class 1 not pathogenic based on frequency >1% in an outbred sampleset. Frequency 0.3864 (Asian), 0.04472 (African), 0.219 (European), derived from 1000 genomes (2012-04-30).

GeneDx
Classification: Benign. Last evaluated: 2021-08-24. Review status: criteria provided, single submitter. Criteria: GeneDx Variant Classification Process June 2021. Collection method: clinical testing. Allele origin: germline. Affected: yes. Not counted in ClinVar's aggregate classification.